The following is an entry in ClinVar:

NM_006612.6(KIF1C):c.271G>A (p.Val91Met)

Gene: KIF1C (kinesin family member 1C; plus strand). Cytogenetic location: 17p13.2.
Variant type: single nucleotide variant.
Coding change: c.271G>A on transcript NM_006612.6 (MANE Select); coding-DNA position 271, G replaced by A.
Protein change: p.Val91Met; replaces valine 91 with methionine.
Molecular consequence: missense variant.
Genome position (GRCh38, 1-based): chr17:5,001,309, G>A. VCF-style: chr17-5001309-G-A. GRCh37 (hg19) VCF-style: chr17-4904604-G-A.
Other names: short protein forms V91M.
Identifiers: ClinVar variation 1945659 (VCV001945659.2), dbSNP rs747110877, ClinGen allele CA8318497.
Genomic context (GRCh38, chr17:5,001,309, plus strand): 5'-CAGCAAGTGTATCGGGACATTGGAGAAGAGATGCTGCTCCACGCCTTTGAAGGCTACAAC[G>A]TGTGCATCTTTGCCTATGGGCAGACCGGGGCTGGGAAATCCTATACCATGATGGGGCGAC-3'
Protein context (NP_006603.2, residues 81-101): MLLHAFEGYN[Val91Met]CIFAYGQTGA

ClinVar aggregate classification (germline): Uncertain significance (1 of 4 stars; one submission).

Conditions:
Spastic ataxia 2. Also called: Ataxia, spastic, 2, autosomal recessive. Identifiers: Orphanet 397946, MedGen C1969796, MONDO:0012651, OMIM 611302.

Allele frequency attached by ClinVar (database versions not stated): gnomAD 0.00002; TOPMed 0.00002; ExAC 0.00003.
gnomAD v4.1: 25 of 1,614,040 alleles (0.0015%); highest among the groups gnomAD compares: Admixed American, 0.015%; no homozygotes.

Submission:

Labcorp Genetics (formerly Invitae), Labcorp
Classification: Uncertain significance for Spastic ataxia 2. Last evaluated: 2022-06-04. Review status: criteria provided, single submitter. Criteria: Invitae Variant Classification Sherloc (09022015). Collection method: clinical testing. Allele origin: germline.
Comment: This sequence change replaces valine, which is neutral and non-polar, with methionine, which is neutral and non-polar, at codon 91 of the KIF1C protein (p.Val91Met). This variant is present in population databases (rs747110877, gnomAD 0.01%). This variant has not been reported in the literature in individuals affected with KIF1C-related conditions. Algorithms developed to predict the effect of missense changes on protein structure and function are either unavailable or do not agree on the potential impact of this missense change (SIFT: "Deleterious"; PolyPhen-2: "Probably Damaging"; Align-GVGD: "Class C0"). In summary, the available evidence is currently insufficient to determine the role of this variant in disease. Therefore, it has been classified as a Variant of Uncertain Significance.